The following is an entry in ClinVar:

NM_003119.4(SPG7):c.826G>A (p.Gly276Arg)

Gene: SPG7 (SPG7 matrix AAA peptidase subunit, paraplegin; plus strand). Cytogenetic location: 16q24.3.
Variant type: single nucleotide variant.
Coding change: c.826G>A on transcript NM_003119.4 (MANE Select); coding-DNA position 826, G replaced by A.
Protein change: p.Gly276Arg; replaces glycine 276 with arginine.
Molecular consequence: missense variant.
Genome position (GRCh38, 1-based): chr16:89,529,544, G>A. VCF-style: chr16-89529544-G-A. GRCh37 (hg19) VCF-style: chr16-89595952-G-A.
Other names: c.826G>A, p.Gly276Arg (NM_001363850.1, NM_199367.3); short protein forms G276R.
Identifiers: ClinVar variation 3015623 (VCV003015623.2), dbSNP rs771694289, ClinGen allele CA8243798.

ClinVar aggregate classification (germline): Uncertain significance (1 of 4 stars; one submission).

Conditions:
Hereditary spastic paraplegia 7 (SPG7). Also called: SPG7-related neurologic disorder; Autosomal recessive spastic paraplegia type 7; Spastic paraplegia 7; Hereditary spastic paraplegia Paraplegin type; SPASTIC PARAPLEGIA 7, AUTOSOMAL RECESSIVE, WITH OR WITHOUT CEREBELLAR ATAXIA. Identifiers: Orphanet 99013, MedGen C1846564, MONDO:0011803, OMIM 607259.

Allele frequency attached by ClinVar (database versions not stated): gnomAD 0.00001; ExAC 0.00002; TOPMed 0.00002.
gnomAD v4.1: 23 of 1,613,770 alleles (0.0014%); highest among the groups gnomAD compares: Middle Eastern, 0.016%; no homozygotes.

Submission:

Labcorp Genetics (formerly Invitae), Labcorp
Classification: Uncertain significance for Hereditary spastic paraplegia 7. Last evaluated: 2023-05-11. Review status: criteria provided, single submitter. Criteria: Invitae Variant Classification Sherloc (09022015). Collection method: clinical testing. Allele origin: germline.
Comment: In summary, the available evidence is currently insufficient to determine the role of this variant in disease. Therefore, it has been classified as a Variant of Uncertain Significance. Algorithms developed to predict the effect of sequence changes on RNA splicing suggest that this variant may disrupt the consensus splice site. Advanced modeling of protein sequence and biophysical properties (such as structural, functional, and spatial information, amino acid conservation, physicochemical variation, residue mobility, and thermodynamic stability) performed at Invitae indicates that this missense variant is not expected to disrupt SPG7 protein function. This variant has not been reported in the literature in individuals affected with SPG7-related conditions. This variant is present in population databases (rs771694289, gnomAD 0.006%). This sequence change replaces glycine, which is neutral and non-polar, with arginine, which is basic and polar, at codon 276 of the SPG7 protein (p.Gly276Arg).